The following is an entry in ClinVar:

NM_213653.4(HJV):c.357C>A (p.Cys119Ter)

Gene: HJV (hemojuvelin BMP co-receptor; minus strand). Cytogenetic location: 1q21.1.
Variant type: single nucleotide variant.
Coding change: c.357C>A on transcript NM_213653.4 (MANE Select); coding-DNA position 357, C replaced by A.
Protein change: p.Cys119Ter; replaces cysteine 119 with a stop codon.
Molecular consequence: nonsense. On other transcripts: intron variant (3).
Genome position (GRCh38, 1-based): chr1:146,019,475, G>T on the plus strand (C>A on the coding strand, the complement: HJV is on the minus strand). VCF-style: chr1-146019475-G-T. GRCh37 (hg19) VCF-style: chr1-145415538-C-A.
Other names: c.357C>A, p.Cys119Ter (NM_001379352.1); c.18C>A, p.Cys6Ter (NM_145277.5); c.-21-775C>A (NM_213652.4); c.-22+223C>A (NM_202004.4, NM_001316767.2); short protein forms C119*, C6*.
Identifiers: ClinVar variation 2848556 (VCV002848556.3), dbSNP rs2101984887, ClinGen allele CA342141990.
Genomic context (GRCh38, chr1:146,019,475, plus strand): 5'-GCCCGCGCCTGGAAGGGCGGGGCCCCGGGGCGGGGGAGGGGCTGTAGGGCCCTGGCGGGA[G>T]CAGTTGTGCTGGATCATCAGGTCTTCGATGCCATGTACCGCCGAATGGAAGGCGAGGTCC-3'

ClinVar aggregate classification (germline): Pathogenic (1 of 4 stars; one submission).

Submission:

Labcorp Genetics (formerly Invitae), Labcorp
Classification: Pathogenic. Last evaluated: 2023-09-27. Review status: criteria provided, single submitter. Criteria: Invitae Variant Classification Sherloc (09022015). Collection method: clinical testing. Allele origin: germline.
Comment: This sequence change creates a premature translational stop signal (p.Cys119*) in the HJV gene. It is expected to result in an absent or disrupted protein product. Loss-of-function variants in HJV are known to be pathogenic (PMID: 20301349, 22408404). This variant is not present in population databases (gnomAD no frequency). For these reasons, this variant has been classified as Pathogenic. This variant has not been reported in the literature in individuals affected with HJV-related conditions.

Literature cited by the submitters: PubMed 20301349; PubMed 22408404.